The following is an entry in ClinVar:

ClinVar aggregate classification (germline): Likely pathogenic (1 of 4 stars; one submission).

Conditions:
BAP1-related tumor predisposition syndrome (TPDS1). Also called: Tumor susceptibility linked to germline BAP1 mutations; COMMON Syndrome; TUMOR PREDISPOSITION SYNDROME 1; BAP1 tumor predisposition syndrome. Identifiers: Orphanet 289539, MedGen C3280492, MONDO:0013692, OMIM 614327.

Submission:

Labcorp Genetics (formerly Invitae), Labcorp
Classification: Likely pathogenic for BAP1-related tumor predisposition syndrome. Last evaluated: 2025-09-10. Review status: criteria provided, single submitter. Criteria: Invitae Variant Classification Sherloc (09022015). Collection method: clinical testing. Allele origin: germline.
Comment: This sequence change affects an acceptor splice site in intron 11 of the BAP1 gene. It is expected to disrupt RNA splicing. Variants that disrupt the donor or acceptor splice site typically lead to a loss of protein function (PMID: 16199547), and loss-of-function variants in BAP1 are known to be pathogenic (PMID: 21874000, 23684012). This variant is not present in population databases (gnomAD no frequency). This variant has not been reported in the literature in individuals affected with BAP1-related conditions. Algorithms developed to predict the effect of sequence changes on RNA splicing suggest that this variant may disrupt the consensus splice site. In summary, the currently available evidence indicates that the variant is pathogenic, but additional data are needed to prove that conclusively. Therefore, this variant has been classified as Likely Pathogenic.

Literature cited by the submitters: PubMed 16199547; PubMed 21874000; PubMed 23684012.

NM_004656.4(BAP1):c.1117-2A>G

Gene: BAP1 (BRCA1 associated deubiquitinase 1; minus strand). Cytogenetic location: 3p21.1.
Variant type: single nucleotide variant.
Coding change: c.1117-2A>G on transcript NM_004656.4 (MANE Select); the canonical splice acceptor site of the intron before coding-DNA position 1117, A replaced by G.
Molecular consequence: splice acceptor variant.
Genome position (GRCh38, 1-based): chr3:52,404,588, T>C on the plus strand (A>G on the coding strand, the complement: BAP1 is on the minus strand). VCF-style: chr3-52404588-T-C. GRCh37 (hg19) VCF-style: chr3-52438604-T-C.
Other names: c.1063-2A>G (NM_001410772.1).
Identifiers: ClinVar variation 4723820 (VCV004723820.1).